The following is an entry in ClinVar:

NM_002485.5(NBN):c.211_212insGA (p.Asn71fs)

Gene: NBN (nibrin; minus strand). Cytogenetic location: 8q21.3.
Variant type: Insertion.
Coding change: c.211_212insGA on transcript NM_002485.5 (MANE Select); coding-DNA positions 211 to 212, GA inserted.
Protein change: p.Asn71fs; shifts the reading frame from asparagine 71.
Molecular consequence: frameshift variant. On other transcripts: 5 prime UTR variant (1).
Genome position: GRCh38 VCF-style: chr8-89981483-T-TTC. GRCh37 (hg19) VCF-style: chr8-90993711-T-TTC.
Other names: c.-36_-35insGA (NM_001024688.3); short protein forms N71fs.
Identifiers: ClinVar variation 216086 (VCV000216086.23), dbSNP rs762664474, ClinGen allele CA339301.

ClinVar aggregate classification (germline): Pathogenic/Likely pathogenic. Review status: criteria provided, multiple submitters, no conflicts (2 of 4 stars). 7 submissions from 7 submitters: Pathogenic (4); Likely pathogenic (3). Last evaluated 2025-08-21.

Conditions:
Acute lymphoid leukemia (ALL). Also called: Acute lymphoblastic leukemia; Acute lymphocytic leukemia; Leukemia, acute lymphoblastic, somatic; Lymphoblastic leukemia. Identifiers: Orphanet 513, MedGen C0023449, MONDO:0004967, OMIM 613065, HP:0006721.
Microcephaly, normal intelligence and immunodeficiency (NBS). Also called: Nijmegen breakage syndrome; Microcephaly with normal intelligence immunodeficiency and lymphoreticular malignancies; Nonsyndromal microcephaly autosomal recessive with normal intelligence; Seemanova syndrome 2; BERLIN BREAKAGE SYNDROME; IMMUNODEFICIENCY, MICROCEPHALY, AND CHROMOSOMAL INSTABILITY. Identifiers: Orphanet 647, MedGen C0398791, MONDO:0009623, OMIM 251260.
Aplastic anemia. Identifiers: Orphanet 182040, Orphanet 88, MedGen C0002874, MONDO:0015909, OMIM 609135, HP:0001915.
Hereditary cancer-predisposing syndrome. Also called: Tumor predisposition; Hereditary Cancer Syndrome; Neoplastic Syndromes, Hereditary; Hereditary neoplastic syndrome. Identifiers: Orphanet 140162, MedGen C0027672, MeSH D009386, MONDO:0015356.

Submissions (7):

Labcorp Genetics (formerly Invitae), Labcorp
Classification: Pathogenic for Microcephaly, normal intelligence and immunodeficiency. Last evaluated: 2025-08-21. Review status: criteria provided, single submitter. Criteria: Invitae Variant Classification Sherloc (09022015). Collection method: clinical testing. Allele origin: germline.
Comment: This sequence change creates a premature translational stop signal (p.Asn71Argfs*22) in the NBN gene. It is expected to result in an absent or disrupted protein product. Loss-of-function variants in NBN are known to be pathogenic (PMID: 9590180, 16415040). This variant is not present in population databases (gnomAD no frequency). This variant has not been reported in the literature in individuals affected with NBN-related conditions. ClinVar contains an entry for this variant (Variation ID: 216086). Algorithms developed to predict the effect of sequence changes on RNA splicing suggest that this variant may disrupt the consensus splice site. For these reasons, this variant has been classified as Pathogenic.

Natera, Inc.
Classification: Likely pathogenic for Nijmegen breakage syndrome. Last evaluated: 2024-12-12. Review status: criteria provided, single submitter. Criteria: Natera Variant Classification Schema (03/2026). Collection method: clinical testing. Allele origin: germline.
Comment: The c.211_212insGA variant in NBN is a frameshift variant predicted to shift the reading frame beginning at codon 71 and leads to a stop codon 22 codons downstream. This variant is expected to result in nonsense mediated decay, truncation, or a dysfunctional protein product. This variant is rare in the general population with a frequency below the threshold expected for the associated phenotype(s). Given the available evidence, this variant is classified as Likely Pathogenic.

GeneDx
Classification: Likely pathogenic. Last evaluated: 2024-01-10. Review status: criteria provided, single submitter. Criteria: GeneDx Variant Classification Process June 2021. Collection method: clinical testing. Allele origin: germline. Affected: yes.
Comment: Frameshift variant predicted to result in protein truncation or nonsense mediated decay in a gene for which loss-of-function is a known mechanism of disease; Published functional studies suggest a damaging effect: in vitro studies demonstrate aberrant protein function (PMID: 36346689); Not observed at a significant frequency in large population cohorts (gnomAD); This variant is associated with the following publications: (PMID: 34072463, 29522266, 36346689)

Baylor Genetics
Classification: Pathogenic for Aplastic anemia. Last evaluated: 2024-01-01. Review status: criteria provided, single submitter. Criteria: ACMG Guidelines, 2015. Collection method: clinical testing. Allele origin: unknown.

Ambry Genetics
Classification: Pathogenic for Hereditary cancer-predisposing syndrome. Last evaluated: 2021-12-14. Review status: criteria provided, single submitter. Criteria: Ambry Variant Classification Scheme 2023. Collection method: clinical testing. Allele origin: germline.
Comment: The c.211_212insGA pathogenic mutation, located in coding exon 3 of the NBN gene, results from an insertion of two nucleotides at position 211, causing a translational frameshift with a predicted alternate stop codon (p.N71Rfs*22). This alteration was detected in 1/5589 German BRCA1/2-negative probands with breast cancer (Hauke J et al. Cancer Med, 2018 04;7:1349-1358). This variant is considered to be rare based on population cohorts in the Genome Aggregation Database (gnomAD). In addition, this alteration is expected to result in loss of function by premature protein truncation or nonsense-mediated mRNA decay. As such, this alteration is interpreted as a disease-causing mutation.

Genome-Nilou Lab
Classification: Pathogenic for Microcephaly, normal intelligence and immunodeficiency. Last evaluated: 2021-11-07. Review status: criteria provided, single submitter. Criteria: ACMG Guidelines, 2015. Collection method: clinical testing. Allele origin: germline. Affected: no.

Fulgent Genetics
Classification: Likely pathogenic for Microcephaly, normal intelligence and immunodeficiency; Aplastic anemia; Acute lymphoid leukemia. Last evaluated: 2021-08-27. Review status: criteria provided, single submitter. Criteria: ACMG Guidelines, 2015. Collection method: clinical testing. Allele origin: unknown.

Literature cited by the submitters: PubMed 9590180 (cited by Labcorp Genetics (formerly Invitae), Labcorp); PubMed 16415040 (cited by Labcorp Genetics (formerly Invitae), Labcorp); PubMed 29522266 (cited by Ambry Genetics).